The following is an entry in ClinVar:

ClinVar aggregate classification (germline): Uncertain significance (1 of 4 stars; one submission).

Submission:

Labcorp Genetics (formerly Invitae), Labcorp
Classification: Uncertain significance. Last evaluated: 2021-08-16. Review status: criteria provided, single submitter. Criteria: Invitae Variant Classification Sherloc (09022015). Collection method: clinical testing. Allele origin: germline.
Comment: In summary, the available evidence is currently insufficient to determine the role of this variant in disease. Therefore, it has been classified as a Variant of Uncertain Significance. Algorithms developed to predict the effect of missense changes on protein structure and function (SIFT, PolyPhen-2, Align-GVGD) all suggest that this variant is likely to be tolerated. This variant has not been reported in the literature in individuals affected with ZNF408-related conditions. This variant is not present in population databases (ExAC no frequency). This sequence change replaces asparagine with aspartic acid at codon 30 of the ZNF408 protein (p.Asn30Asp). The asparagine residue is weakly conserved and there is a small physicochemical difference between asparagine and aspartic acid.

NM_024741.3(ZNF408):c.88A>G (p.Asn30Asp)

Gene: ZNF408 (zinc finger protein 408; plus strand). Cytogenetic location: 11p11.2.
Variant type: single nucleotide variant.
Coding change: c.88A>G on transcript NM_024741.3 (MANE Select); coding-DNA position 88, A replaced by G.
Protein change: p.Asn30Asp; replaces asparagine 30 with aspartic acid.
Molecular consequence: missense variant.
Genome position (GRCh38, 1-based): chr11:46,701,434, A>G. VCF-style: chr11-46701434-A-G. GRCh37 (hg19) VCF-style: chr11-46722984-A-G.
Other names: c.64A>G, p.Asn22Asp (NM_001184751.2); short protein forms N22D, N30D.
Identifiers: ClinVar variation 1438186 (VCV001438186.6), dbSNP rs2134505018, ClinGen allele CA380251491.
Genomic context (GRCh38, chr11:46,701,434, plus strand): 5'-TCACTGTCTTCCCTTCTCTCTGCAGCCCGCGAGCCGCGCCTGGGCCTGGACTTAGGATGG[A>G]ACCCTTCCGGAGAAGGCTGTACGCAGGGCCTCAAAGACGTCCCACCCGAGCCGACCCGAG-3'
Protein context (NP_079017.1, residues 20-40): EPRLGLDLGW[Asn30Asp]PSGEGCTQGL